The following is an entry in ClinVar:

NM_002476.2(MYL4):c.584T>C (p.Met195Thr)

Gene: MYL4 (myosin light chain 4; plus strand). Cytogenetic location: 17q21.32.
Variant type: single nucleotide variant.
Coding change: c.584T>C on transcript NM_002476.2 (MANE Select); coding-DNA position 584, T replaced by C.
Protein change: p.Met195Thr; replaces methionine 195 with threonine.
Molecular consequence: missense variant.
Genome position (GRCh38, 1-based): chr17:47,223,032, T>C. VCF-style: chr17-47223032-T-C. GRCh37 (hg19) VCF-style: chr17-45300398-T-C.
Other names: c.584T>C, p.Met195Thr (NM_001002841.2); c.584T>C (NM_001002841.1); short protein forms M195T.
Identifiers: ClinVar variation 1492672 (VCV001492672.7), dbSNP rs751027502, ClinGen allele CA8622812.
Genomic context (GRCh38, chr17:47,223,032, plus strand): 5'-GGCGCTGAGCCACATGGTGGCTGATTTTCACTTTTTTCCTAGCCTTTGTCAAGCACATCA[T>C]GTCAGGGTGAAGCAGAGTCTTCCAGGTGAGTGCAGCCTCTCCCTCCTGGTCCCTTCCGGG-3'
Protein context (NP_002467.1, residues 185-197): INYEAFVKHI[Met195Thr]SG

ClinVar aggregate classification (germline): Uncertain significance. Review status: criteria provided, multiple submitters, no conflicts (2 of 4 stars). 2 submissions from 2 submitters: Uncertain significance (2). Last evaluated 2025-08-07.

Conditions:
Atrial fibrillation, familial, 18 (ATFB18). Identifiers: MedGen C4310636, MONDO:0015001, OMIM 617280.

Allele frequency attached by ClinVar (database versions not stated): gnomAD exomes below 0.00001 and 0.00002; TOPMed below 0.00001; ExAC 0.00001.

Submissions (2):

Ambry Genetics
Classification: Uncertain significance. Last evaluated: 2025-08-07. Review status: criteria provided, single submitter. Criteria: Ambry Variant Classification Scheme 2023. Collection method: clinical testing. Allele origin: germline.

Labcorp Genetics (formerly Invitae), Labcorp
Classification: Uncertain significance for Atrial fibrillation, familial, 18. Last evaluated: 2025-06-11. Review status: criteria provided, single submitter. Criteria: Invitae Variant Classification Sherloc (09022015). Collection method: clinical testing. Allele origin: germline.
Comment: This sequence change replaces methionine, which is neutral and non-polar, with threonine, which is neutral and polar, at codon 195 of the MYL4 protein (p.Met195Thr). This variant is present in population databases (rs751027502, gnomAD 0.006%). This variant has not been reported in the literature in individuals affected with MYL4-related conditions. ClinVar contains an entry for this variant (Variation ID: 1492672). An algorithm developed to predict the effect of missense changes on protein structure and function (PolyPhen-2) suggests that this variant is likely to be tolerated. In summary, the available evidence is currently insufficient to determine the role of this variant in disease. Therefore, it has been classified as a Variant of Uncertain Significance.